The following is an entry in ClinVar:

NM_000448.3(RAG1):c.1468A>G (p.Thr490Ala)

Gene: RAG1 (recombination activating 1; plus strand). Cytogenetic location: 11p12.
Variant type: single nucleotide variant.
Coding change: c.1468A>G on transcript NM_000448.3 (MANE Select); coding-DNA position 1468, A replaced by G.
Protein change: p.Thr490Ala; replaces threonine 490 with alanine.
Molecular consequence: missense variant.
Genome position (GRCh38, 1-based): chr11:36,574,772, A>G. VCF-style: chr11-36574772-A-G. GRCh37 (hg19) VCF-style: chr11-36596322-A-G.
Other names: c.1468A>G, p.Thr490Ala (NM_001377277.1, NM_001377278.1, NM_001377279.1 and 1 more transcripts); short protein forms T490A.
Identifiers: ClinVar variation 662733 (VCV000662733.1), dbSNP rs1590703120, ClinGen allele CA380152596.

ClinVar aggregate classification (germline): Uncertain significance (1 of 4 stars; one submission).

Conditions:
Combined immunodeficiency with skin granulomas. Identifiers: Orphanet 157949, MedGen C2673536, MONDO:0009306, OMIM 233650.
Severe combined immunodeficiency, autosomal recessive, T cell-negative, B cell-negative, NK cell-positive. Also called: Severe combined immunodeficiency due to complete RAG1/2 deficiency; SCID, T CELL-NEGATIVE, B CELL-NEGATIVE, NK CELL-POSITIVE; SCID, AR, T-cell negative, B-cell negative, NK cell-positive. Identifiers: Orphanet 331206, MedGen C1832322, MONDO:0011086, OMIM 601457.

Allele frequency attached by ClinVar (database versions not stated): gnomAD exomes below 0.00001.
gnomAD v4.1: 1 of 1,614,212 alleles (0.000062%); highest among the groups gnomAD compares: Non-Finnish European, 0.000085%; no homozygotes.

Submission:

Labcorp Genetics (formerly Invitae), Labcorp
Classification: Uncertain significance for Combined cellular and humoral immune defects with granulomas; Severe immunodeficiency, autosomal recessive, T-cell negative, B-cell negative, NK cell-positive. Last evaluated: 2018-08-23. Review status: criteria provided, single submitter. Criteria: Invitae Variant Classification Sherloc (09022015). Collection method: clinical testing. Allele origin: germline.
Comment: This sequence change replaces threonine with alanine at codon 490 of the RAG1 protein (p.Thr490Ala). The threonine residue is highly conserved and there is a small physicochemical difference between threonine and alanine. This variant is not present in population databases (ExAC no frequency). This variant has not been reported in the literature in individuals with RAG1-related disease. Algorithms developed to predict the effect of missense changes on protein structure and function are either unavailable or do not agree on the potential impact of this missense change (SIFT: "Deleterious"; PolyPhen-2: "Probably Damaging"; Align-GVGD: "Class C0"). In summary, the available evidence is currently insufficient to determine the role of this variant in disease. Therefore, it has been classified as a Variant of Uncertain Significance.